The following is an entry in ClinVar:

NM_001371986.1(UNC80):c.6266T>C (p.Leu2089Pro)

Gene: UNC80 (unc-80 homolog, NALCN channel complex subunit; plus strand). Cytogenetic location: 2q34.
Variant type: single nucleotide variant.
Coding change: c.6266T>C on transcript NM_001371986.1 (MANE Select); coding-DNA position 6266, T replaced by C.
Protein change: p.Leu2089Pro; replaces leucine 2089 with proline.
Molecular consequence: missense variant.
Genome position (GRCh38, 1-based): chr2:209,935,801, T>C. VCF-style: chr2-209935801-T-C. GRCh37 (hg19) VCF-style: chr2-210800525-T-C.
Other names: c.6068T>C, p.Leu2023Pro (NM_032504.2); c.6053T>C, p.Leu2018Pro (NM_182587.4); c.6068T>C (NM_032504.1); short protein forms L2023P, L2018P, L2089P.
Identifiers: ClinVar variation 1466145 (VCV001466145.7), dbSNP rs1017052801, ClinGen allele CA65042022.

ClinVar aggregate classification (germline): Uncertain significance. Review status: criteria provided, multiple submitters, no conflicts (2 of 4 stars). 2 submissions from 2 submitters: Uncertain significance (2). Last evaluated 2024-08-01.

Conditions:
Inborn genetic diseases. Identifiers: MedGen C0950123, MeSH D030342.

Allele frequency attached by ClinVar (database versions not stated): gnomAD exomes 0.00002 and 0.00003; TOPMed 0.00002; gnomAD 0.00001.
gnomAD v4.1: 32 of 1,538,600 alleles (0.0021%); highest among the groups gnomAD compares: Non-Finnish European, 0.0028%; no homozygotes.

Submissions (2):

Ambry Genetics
Classification: Uncertain significance for Inborn genetic diseases. Last evaluated: 2024-08-01. Review status: criteria provided, single submitter. Criteria: Ambry Variant Classification Scheme 2023. Collection method: clinical testing. Allele origin: germline.

Labcorp Genetics (formerly Invitae), Labcorp
Classification: Uncertain significance. Last evaluated: 2023-07-17. Review status: criteria provided, single submitter. Criteria: Invitae Variant Classification Sherloc (09022015). Collection method: clinical testing. Allele origin: germline.
Comment: This sequence change replaces leucine, which is neutral and non-polar, with proline, which is neutral and non-polar, at codon 2023 of the UNC80 protein (p.Leu2023Pro). This variant is present in population databases (no rsID available, gnomAD 0.007%). This variant has not been reported in the literature in individuals affected with UNC80-related conditions. ClinVar contains an entry for this variant (Variation ID: 1466145). Advanced modeling of protein sequence and biophysical properties (such as structural, functional, and spatial information, amino acid conservation, physicochemical variation, residue mobility, and thermodynamic stability) performed at Invitae indicates that this missense variant is not expected to disrupt UNC80 protein function. In summary, the available evidence is currently insufficient to determine the role of this variant in disease. Therefore, it has been classified as a Variant of Uncertain Significance.